The following is an entry in ClinVar:

NM_004100.5(EYA4):c.1708A>G (p.Ile570Val)

Genes: TARID (TCF21 antisense RNA inducing promoter demethylation; minus strand), EYA4 (EYA transcriptional coactivator and phosphatase 4; plus strand). Cytogenetic location: 6q23.2.
Variant type: single nucleotide variant.
Coding change: c.1708A>G on transcript NM_004100.5 (MANE Select); coding-DNA position 1708, A replaced by G.
Protein change: p.Ile570Val; replaces isoleucine 570 with valine.
Molecular consequence: missense variant.
Genome position (GRCh38, 1-based): chr6:133,523,147, A>G. VCF-style: chr6-133523147-A-G. GRCh37 (hg19) VCF-style: chr6-133844285-A-G.
Other names: c.1708A>G (NM_004100.4); c.1546A>G, p.Ile516Val (NM_001301012.2); c.1726A>G, p.Ile576Val (NM_001301013.2); c.1639A>G, p.Ile547Val (NM_001370458.1, NM_172103.4); c.1564A>G, p.Ile522Val (NM_001370459.1); c.1708A>G, p.Ile570Val (NM_172105.4); short protein forms I522V, I547V, I516V, I570V, I576V.
Identifiers: ClinVar variation 3017398 (VCV003017398.4), dbSNP rs2535499316, ClinGen allele CA365698837.
Genomic context (GRCh38, chr6:133,523,147, plus strand): 5'-ACTCAACTGATCCCAGCACTTGCGAAGGTTCTACTCTATAGTTTAGGAGGTGCTTTCCCC[A>G]TTGAGAATATTTACAGTGCAACTAAAATAGGTAAGGAAATTATTTTAAACTCTGTATGGA-3'
Protein context (NP_004091.3, residues 560-580): LLYSLGGAFP[Ile570Val]ENIYSATKIG

ClinVar aggregate classification (germline): Uncertain significance. Review status: criteria provided, multiple submitters, no conflicts (2 of 4 stars). 2 submissions from 2 submitters: Uncertain significance (2). Last evaluated 2024-02-02.

Conditions:
Dilated cardiomyopathy 1J (CMD1J). Also called: CARDIOMYOPATHY, DILATED, WITH SENSORINEURAL HEARING LOSS, AUTOSOMAL DOMINANT. Identifiers: Orphanet 217622, MedGen C1854368, MONDO:0011541, OMIM 605362.

Allele frequency attached by ClinVar (database versions not stated): gnomAD exomes below 0.00001.
gnomAD v4.1: 1 of 1,612,340 alleles (0.000062%); highest among the groups gnomAD compares: East Asian, 0.0022%; no homozygotes.

Submissions (2):

GeneDx
Classification: Uncertain significance. Last evaluated: 2024-02-02. Review status: criteria provided, single submitter. Criteria: GeneDx Variant Classification Process June 2021. Collection method: clinical testing. Allele origin: germline. Affected: yes.
Comment: Not observed at significant frequency in large population cohorts (gnomAD); In silico analysis supports that this missense variant does not alter protein structure/function; Has not been previously published as pathogenic or benign to our knowledge

Labcorp Genetics (formerly Invitae), Labcorp
Classification: Uncertain significance for Dilated cardiomyopathy 1J. Last evaluated: 2023-12-23. Review status: criteria provided, single submitter. Criteria: Invitae Variant Classification Sherloc (09022015). Collection method: clinical testing. Allele origin: germline.
Comment: This sequence change replaces isoleucine, which is neutral and non-polar, with valine, which is neutral and non-polar, at codon 570 of the EYA4 protein (p.Ile570Val). This variant is not present in population databases (gnomAD no frequency). This variant has not been reported in the literature in individuals affected with EYA4-related conditions. Advanced modeling of protein sequence and biophysical properties (such as structural, functional, and spatial information, amino acid conservation, physicochemical variation, residue mobility, and thermodynamic stability) performed at Invitae indicates that this missense variant is not expected to disrupt EYA4 protein function with a negative predictive value of 80%. In summary, the available evidence is currently insufficient to determine the role of this variant in disease. Therefore, it has been classified as a Variant of Uncertain Significance.